The following is an entry in ClinVar:

NM_001130438.3(SPTAN1):c.1274A>G (p.Gln425Arg)

Gene: SPTAN1 (spectrin alpha, non-erythrocytic 1; plus strand). Cytogenetic location: 9q34.11.
Variant type: single nucleotide variant.
Coding change: c.1274A>G on transcript NM_001130438.3 (MANE Select); coding-DNA position 1274, A replaced by G.
Protein change: p.Gln425Arg; replaces glutamine 425 with arginine.
Molecular consequence: missense variant.
Genome position (GRCh38, 1-based): chr9:128,579,689, A>G. VCF-style: chr9-128579689-A-G. GRCh37 (hg19) VCF-style: chr9-131341968-A-G.
Other names: c.1274A>G, p.Gln425Arg (NM_001195532.2, NM_001363759.2, NM_001363765.2 and 1 more transcripts); short protein forms Q425R.
Identifiers: ClinVar variation 461214 (VCV000461214.12), dbSNP rs11792065, ClinGen allele CA5264351.

ClinVar aggregate classification (germline): Conflicting classifications of pathogenicity. Review status: criteria provided, conflicting classifications (1 of 4 stars). 3 submissions from 3 submitters: Uncertain significance (2); Likely benign (1). Last evaluated 2024-09-09.

Conditions:
Early-infantile DEE. Also called: Early infantile epileptic encephalopathy; Ohtahara syndrome; Early infantile epileptic encephalopathy with suppression bursts. Identifiers: Orphanet 1934, MedGen C0393706, MONDO:0800491.

Allele frequency attached by ClinVar (database versions not stated): gnomAD 0.00003 and 0.00004; gnomAD exomes 0.00003 and 0.00009; TOPMed 0.00004; ExAC 0.00005; ESP Exome Variant Server 0.00015.
gnomAD v4.1: 132 of 1,614,036 alleles (0.0082%); highest among the groups gnomAD compares: Non-Finnish European, 0.01%; no homozygotes.

Submissions (3):

Women's Health and Genetics/Laboratory Corporation of America, LabCorp
Classification: Uncertain significance. Last evaluated: 2024-09-09. Review status: criteria provided, single submitter. Criteria: LabCorp Variant Classification Summary - May 2015. Collection method: clinical testing. Allele origin: germline.
Comment: Variant summary: SPTAN1 c.1274A>G (p.Gln425Arg) results in a conservative amino acid change in the encoded protein sequence. Four of five in-silico tools predict a benign effect of the variant on protein function. The variant allele was found at a frequency of 2.8e-05 in 251392 control chromosomes. The available data on variant occurrences in the general population are insufficient to allow any conclusion about variant significance. c.1274A>G has been reported in the literature in at-least one individual affected with Sudden unexpected death in epilepsy (ex. Bagnall_2016). These report(s) do not provide unequivocal conclusions about association of the variant with Epileptic Encephalopathy, Early Infantile, 5. To our knowledge, no experimental evidence demonstrating an impact on protein function has been reported. The following publication has been ascertained in the context of this evaluation (PMID: 26704558). ClinVar contains an entry for this variant (Variation ID: 461214). Based on the evidence outlined above, the variant was classified as uncertain significance.

Labcorp Genetics (formerly Invitae), Labcorp
Classification: Uncertain significance for Early-infantile DEE. Last evaluated: 2024-07-18. Review status: criteria provided, single submitter. Criteria: Invitae Variant Classification Sherloc (09022015). Collection method: clinical testing. Allele origin: germline.
Comment: This sequence change replaces glutamine, which is neutral and polar, with arginine, which is basic and polar, at codon 425 of the SPTAN1 protein (p.Gln425Arg). This variant is present in population databases (rs11792065, gnomAD 0.006%). This missense change has been observed in individual(s) with sudden unexpected death in epilepsy (PMID: 26704558). ClinVar contains an entry for this variant (Variation ID: 461214). Advanced modeling of protein sequence and biophysical properties (such as structural, functional, and spatial information, amino acid conservation, physicochemical variation, residue mobility, and thermodynamic stability) has been performed at Invitae for this missense variant, however the output from this modeling did not meet the statistical confidence thresholds required to predict the impact of this variant on SPTAN1 protein function. In summary, the available evidence is currently insufficient to determine the role of this variant in disease. Therefore, it has been classified as a Variant of Uncertain Significance.

GeneDx
Classification: Likely benign. Last evaluated: 2021-04-22. Review status: criteria provided, single submitter. Criteria: GeneDx Variant Classification Process June 2021. Collection method: clinical testing. Allele origin: germline. Affected: yes.
Comment: See Variant Classification Assertion Criteria.

Literature cited by the submitters: PubMed 26704558 (cited by Women's Health and Genetics/Laboratory Corporation of America, LabCorp and Labcorp Genetics (formerly Invitae), Labcorp).